The following is an entry in ClinVar:

NM_001142784.3(IL11RA):c.874C>T (p.Arg292Ter)

Gene: IL11RA (interleukin 11 receptor subunit alpha; plus strand). Cytogenetic location: 9p13.3.
Variant type: single nucleotide variant.
Coding change: c.874C>T on transcript NM_001142784.3 (MANE Select); coding-DNA position 874, C replaced by T.
Protein change: p.Arg292Ter; replaces arginine 292 with a stop codon.
Molecular consequence: nonsense. On other transcripts: non-coding transcript variant (1).
Genome position (GRCh38, 1-based): chr9:34,659,822, C>T. VCF-style: chr9-34659822-C-T. GRCh37 (hg19) VCF-style: chr9-34659819-C-T.
Other names: short protein forms R292*.
Identifiers: ClinVar variation 3716578 (VCV003716578.2).

ClinVar aggregate classification (germline): Pathogenic (1 of 4 stars; one submission).

Submission:

Labcorp Genetics (formerly Invitae), Labcorp
Classification: Pathogenic. Last evaluated: 2024-10-24. Review status: criteria provided, single submitter. Criteria: Invitae Variant Classification Sherloc (09022015). Collection method: clinical testing. Allele origin: germline.
Comment: This sequence change creates a premature translational stop signal (p.Arg292*) in the IL11RA gene. It is expected to result in an absent or disrupted protein product. Loss-of-function variants in IL11RA are known to be pathogenic (PMID: 21741611, 24498618). This variant is present in population databases (rs555303690, gnomAD 0.01%). This premature translational stop signal has been observed in individual(s) with IL11RA-related conditions (PMID: 24498618). For these reasons, this variant has been classified as Pathogenic.

Literature cited by the submitters: PubMed 21741611; PubMed 24498618.